The following is an entry in ClinVar:

NM_024408.4(NOTCH2):c.3442G>A (p.Glu1148Lys)

Gene: NOTCH2 (notch receptor 2; minus strand). Cytogenetic location: 1p12.
Variant type: single nucleotide variant.
Coding change: c.3442G>A on transcript NM_024408.4 (MANE Select); coding-DNA position 3442, G replaced by A.
Protein change: p.Glu1148Lys; replaces glutamic acid 1148 with lysine.
Molecular consequence: missense variant.
Genome position (GRCh38, 1-based): chr1:119,937,362, C>T on the plus strand (G>A on the coding strand, the complement: NOTCH2 is on the minus strand). VCF-style: chr1-119937362-C-T. GRCh37 (hg19) VCF-style: chr1-120479985-C-T.
Other names: c.3442G>A, p.Glu1148Lys (NM_001200001.2); short protein forms E1148K.
Identifiers: ClinVar variation 2865004 (VCV002865004.4), dbSNP rs1368829529, ClinGen allele CA341851980.

ClinVar aggregate classification (germline): Uncertain significance. Review status: criteria provided, multiple submitters, no conflicts (2 of 4 stars). 2 submissions from 2 submitters: Uncertain significance (2). Last evaluated 2023-12-27.

Conditions:
Hajdu-Cheney syndrome (HJCYS). Also called: ACROOSTEOLYSIS WITH OSTEOPOROSIS AND CHANGES IN SKULL AND MANDIBLE; SERPENTINE FIBULA-POLYCYSTIC KIDNEY SYNDROME; Acroosteolysis dominant type. Identifiers: Orphanet 955, MedGen C0917715, MONDO:0007057, OMIM 102500.
Alagille syndrome due to a NOTCH2 point mutation. Also called: Alagille syndrome 2. Identifiers: Orphanet 261629, Orphanet 52, MedGen C1857761, MONDO:0012439, OMIM 610205.

Allele frequency attached by ClinVar (database versions not stated): gnomAD 0.00001; gnomAD exomes 0.00001; TOPMed 0.00001.

Submissions (2):

Fulgent Genetics
Classification: Uncertain significance for Hajdu-Cheney syndrome; Alagille syndrome due to a NOTCH2 point mutation. Last evaluated: 2023-12-27. Review status: criteria provided, single submitter. Criteria: ACMG Guidelines, 2015. Collection method: clinical testing. Allele origin: germline.

Labcorp Genetics (formerly Invitae), Labcorp
Classification: Uncertain significance for Hajdu-Cheney syndrome. Last evaluated: 2023-02-06. Review status: criteria provided, single submitter. Criteria: Invitae Variant Classification Sherloc (09022015). Collection method: clinical testing. Allele origin: germline.
Comment: This variant is present in population databases (no rsID available, gnomAD 0.002%). This sequence change replaces glutamic acid, which is acidic and polar, with lysine, which is basic and polar, at codon 1148 of the NOTCH2 protein (p.Glu1148Lys). This variant has not been reported in the literature in individuals affected with NOTCH2-related conditions. Advanced modeling of protein sequence and biophysical properties (such as structural, functional, and spatial information, amino acid conservation, physicochemical variation, residue mobility, and thermodynamic stability) performed at Invitae indicates that this missense variant is not expected to disrupt NOTCH2 protein function. In summary, the available evidence is currently insufficient to determine the role of this variant in disease. Therefore, it has been classified as a Variant of Uncertain Significance.